The following is an entry in ClinVar:

ClinVar aggregate classification (germline): Uncertain significance. Review status: criteria provided, multiple submitters, no conflicts (2 of 4 stars). 6 submissions from 6 submitters: Uncertain significance (6). Last evaluated 2026-05-11.

Conditions:
Nephronophthisis 4 (NPHP4). Also called: NEPHRONOPHTHISIS 4, JUVENILE. Identifiers: Orphanet 655, MedGen C1847013, MONDO:0011752, OMIM 606966.
Senior-Loken syndrome 4 (SLSN4). Identifiers: Orphanet 3156, MedGen C1846979, MONDO:0011756, OMIM 606996.
NPHP4-related disorder. Also called: NPHP4-related disorders; NPHP4-related condition. Identifiers: MedGen CN239384.
Inborn genetic diseases. Identifiers: MedGen C0950123, MeSH D030342.
Nephronophthisis. Also called: Juvenile Nephronophthisis. Identifiers: Orphanet 655, MedGen C0687120, MONDO:0019005, HP:0000090.

Allele frequency attached by ClinVar (database versions not stated): gnomAD 0.00005; TOPMed 0.00008; gnomAD exomes below 0.00001.
gnomAD v4.1: 20 of 1,612,090 alleles (0.0012%); highest among the groups gnomAD compares: Admixed American, 0.018%; no homozygotes.

Submissions (6):

PreventionGenetics, part of Exact Sciences
Classification: Uncertain significance for NPHP4-related condition. Last evaluated: 2026-05-11. Review status: criteria provided, single submitter. Criteria: ACMG Guidelines, 2015. Collection method: clinical testing. Allele origin: germline.
Comment: The NPHP4 c.3434A>G variant is predicted to result in the amino acid substitution p.Lys1145Arg. To our knowledge, this variant has not been reported in the literature. This variant has been reported in one heterozygous individual within the 'other' sub-population in gnomAD (not included in table above). At this time, the clinical significance of this variant is uncertain due to the absence of conclusive functional and genetic evidence.

Ambry Genetics
Classification: Uncertain significance for Inborn genetic diseases. Last evaluated: 2024-02-12. Review status: criteria provided, single submitter. Criteria: Ambry Variant Classification Scheme 2023. Collection method: clinical testing. Allele origin: germline.

Blueprint Genetics
Classification: Uncertain significance. Last evaluated: 2023-08-23. Review status: criteria provided, single submitter. Criteria: ACMG Guidelines, 2015. Collection method: clinical testing. Allele origin: germline.

Labcorp Genetics (formerly Invitae), Labcorp
Classification: Uncertain significance for Nephronophthisis. Last evaluated: 2022-10-13. Review status: criteria provided, single submitter. Criteria: Invitae Variant Classification Sherloc (09022015). Collection method: clinical testing. Allele origin: germline.
Comment: This sequence change replaces lysine, which is basic and polar, with arginine, which is basic and polar, at codon 1145 of the NPHP4 protein (p.Lys1145Arg). The frequency data for this variant in the population databases is considered unreliable, as metrics indicate poor data quality at this position in the gnomAD database. This variant has not been reported in the literature in individuals affected with NPHP4-related conditions. ClinVar contains an entry for this variant (Variation ID: 592997). Advanced modeling of protein sequence and biophysical properties (such as structural, functional, and spatial information, amino acid conservation, physicochemical variation, residue mobility, and thermodynamic stability) performed at Invitae indicates that this missense variant is expected to disrupt NPHP4 protein function. In summary, the available evidence is currently insufficient to determine the role of this variant in disease. Therefore, it has been classified as a Variant of Uncertain Significance.

Fulgent Genetics
Classification: Uncertain significance for Nephronophthisis 4; Senior-Loken syndrome 4. Last evaluated: 2021-12-02. Review status: criteria provided, single submitter. Criteria: ACMG Guidelines, 2015. Collection method: clinical testing. Allele origin: unknown.

Eurofins Ntd Llc (ga)
Classification: Uncertain significance. Last evaluated: 2018-02-02. Review status: criteria provided, single submitter. Criteria: EGL Classification Definitions 2015. Collection method: clinical testing. Allele origin: germline. Observed: 5 variant alleles, 5 heterozygotes.

NM_015102.5(NPHP4):c.3434A>G (p.Lys1145Arg)

Gene: NPHP4 (nephrocystin 4; minus strand). Cytogenetic location: 1p36.31.
Variant type: single nucleotide variant.
Coding change: c.3434A>G on transcript NM_015102.5 (MANE Select); coding-DNA position 3434, A replaced by G.
Protein change: p.Lys1145Arg; replaces lysine 1145 with arginine.
Molecular consequence: missense variant. On other transcripts: non-coding transcript variant (1).
Genome position (GRCh38, 1-based): chr1:5,867,778, T>C on the plus strand (A>G on the coding strand, the complement: NPHP4 is on the minus strand). VCF-style: chr1-5867778-T-C. GRCh37 (hg19) VCF-style: chr1-5927838-T-C.
Other names: c.1895A>G, p.Lys632Arg (NM_001291593.2); c.1898A>G, p.Lys633Arg (NM_001291594.2); c.3434A>G (NM_015102.3); short protein forms K1145R, K632R, K633R.
Identifiers: ClinVar variation 592997 (VCV000592997.13), dbSNP rs923103631, ClinGen allele CA17130709.